The following is an entry in ClinVar:

ClinVar aggregate classification (germline): Uncertain significance. Review status: criteria provided, multiple submitters, no conflicts (2 of 4 stars). 3 submissions from 3 submitters: Uncertain significance (3). Last evaluated 2025-04-23.

Conditions:
DICER1-related tumor predisposition. Also called: DICER1-related pleuropulmonary blastoma cancer predisposition syndrome; DICER1 syndrome. Identifiers: Orphanet 284343, MedGen C3839822, MONDO:0100216.
Hereditary cancer-predisposing syndrome. Also called: Neoplastic Syndromes, Hereditary; Hereditary neoplastic syndrome; Hereditary Cancer Syndrome; Tumor predisposition. Identifiers: Orphanet 140162, MedGen C0027672, MeSH D009386, MONDO:0015356.

Allele frequency attached by ClinVar (database versions not stated): gnomAD exomes 0.00001.
gnomAD v4.1: 12 of 1,614,030 alleles (0.00074%); highest among the groups gnomAD compares: Non-Finnish European, 0.001%; no homozygotes.

Submissions (3):

Ambry Genetics
Classification: Uncertain significance for Hereditary cancer-predisposing syndrome. Last evaluated: 2025-04-23. Review status: criteria provided, single submitter. Criteria: Ambry Variant Classification Scheme 2023. Collection method: clinical testing. Allele origin: germline.
Comment: The p.K429M variant (also known as c.1286A>T), located in coding exon 7 of the DICER1 gene, results from an A to T substitution at nucleotide position 1286. The lysine at codon 429 is replaced by methionine, an amino acid with similar properties. This amino acid position is well conserved in available vertebrate species. In addition, this alteration is predicted to be tolerated by in silico analysis. Based on the available evidence, the clinical significance of this variant remains unclear.

Quest Diagnostics Nichols Institute San Juan Capistrano
Classification: Uncertain significance. Last evaluated: 2024-07-03. Review status: criteria provided, single submitter. Criteria: Quest Diagnostics criteria. Collection method: clinical testing. Allele origin: unknown.
Comment: The DICER1 c.1286A>T (p.Lys429Met) variant has not been reported in individuals with DICER1-related conditions in the published literature. The frequency of this variant in the general population, 0.000008 (2/250952 chromosomes (Genome Aggregation Database)), is uninformative in the assessment of its pathogenicity. Analysis of this variant using bioinformatics tools for the prediction of the effect of amino acid changes on protein structure and function yielded conflicting predictions that this variant is benign or damaging. Based on the available information, we are unable to determine the clinical significance of this variant.

Labcorp Genetics (formerly Invitae), Labcorp
Classification: Uncertain significance for DICER1-related tumor predisposition. Last evaluated: 2023-05-17. Review status: criteria provided, single submitter. Criteria: Invitae Variant Classification Sherloc (09022015). Collection method: clinical testing. Allele origin: germline.
Comment: In summary, the available evidence is currently insufficient to determine the role of this variant in disease. Therefore, it has been classified as a Variant of Uncertain Significance. An algorithm developed to predict the effect of missense changes on protein structure and function (PolyPhen-2) suggests that this variant is likely to be disruptive. ClinVar contains an entry for this variant (Variation ID: 945374). This variant has not been reported in the literature in individuals affected with DICER1-related conditions. This variant is present in population databases (no rsID available, gnomAD 0.002%). This sequence change replaces lysine, which is basic and polar, with methionine, which is neutral and non-polar, at codon 429 of the DICER1 protein (p.Lys429Met).

NM_177438.3(DICER1):c.1286A>T (p.Lys429Met)

Gene: DICER1 (dicer 1, ribonuclease III; minus strand). Cytogenetic location: 14q32.13.
Variant type: single nucleotide variant.
Coding change: c.1286A>T on transcript NM_177438.3 (MANE Select); coding-DNA position 1286, A replaced by T.
Protein change: p.Lys429Met; replaces lysine 429 with methionine.
Molecular consequence: missense variant.
Genome position (GRCh38, 1-based): chr14:95,124,286, T>A on the plus strand (A>T on the coding strand, the complement: DICER1 is on the minus strand). VCF-style: chr14-95124286-T-A. GRCh37 (hg19) VCF-style: chr14-95590623-T-A.
Other names: c.1286A>T, p.Lys429Met (NM_001195573.1, NM_001271282.3, NM_001291628.2 and 1 more transcripts); short protein forms K429M.
Identifiers: ClinVar variation 945374 (VCV000945374.15), dbSNP rs1325355975, ClinGen allele CA390886319.